The following is an entry in ClinVar:

NM_006231.4(POLE):c.3335A>C (p.Lys1112Thr)

Gene: POLE (DNA polymerase epsilon, catalytic subunit; minus strand). Cytogenetic location: 12q24.33.
Variant type: single nucleotide variant.
Coding change: c.3335A>C on transcript NM_006231.4 (MANE Select); coding-DNA position 3335, A replaced by C.
Protein change: p.Lys1112Thr; replaces lysine 1112 with threonine.
Molecular consequence: missense variant.
Genome position (GRCh38, 1-based): chr12:132,657,911, T>G on the plus strand (A>C on the coding strand, the complement: POLE is on the minus strand). VCF-style: chr12-132657911-T-G. GRCh37 (hg19) VCF-style: chr12-133234497-T-G.
Other names: c.3335A>C (NM_006231.2); short protein forms K1112T.
Identifiers: ClinVar variation 473589 (VCV000473589.13), dbSNP rs1555225311, ClinGen allele CA387389671.

ClinVar aggregate classification (germline): Uncertain significance. Review status: criteria provided, multiple submitters, no conflicts (2 of 4 stars). 3 submissions from 3 submitters: Uncertain significance (3). Last evaluated 2025-08-10.

Conditions:
Hereditary cancer-predisposing syndrome. Also called: Neoplastic Syndromes, Hereditary; Tumor predisposition; Hereditary Cancer Syndrome; Hereditary neoplastic syndrome. Identifiers: Orphanet 140162, MedGen C0027672, MeSH D009386, MONDO:0015356.

Allele frequency attached by ClinVar (database versions not stated): gnomAD exomes below 0.00001.

Submissions (3):

Labcorp Genetics (formerly Invitae), Labcorp
Classification: Uncertain significance. Last evaluated: 2025-08-10. Review status: criteria provided, single submitter. Criteria: Invitae Variant Classification Sherloc (09022015). Collection method: clinical testing. Allele origin: germline.
Comment: This sequence change replaces lysine, which is basic and polar, with threonine, which is neutral and polar, at codon 1112 of the POLE protein (p.Lys1112Thr). This variant is not present in population databases (gnomAD no frequency). This variant has not been reported in the literature in individuals affected with POLE-related conditions. ClinVar contains an entry for this variant (Variation ID: 473589). Invitae Evidence Modeling of protein sequence and biophysical properties (such as structural, functional, and spatial information, amino acid conservation, physicochemical variation, residue mobility, and thermodynamic stability) indicates that this missense variant is expected to disrupt POLE protein function with a positive predictive value of 80%. In summary, the available evidence is currently insufficient to determine the role of this variant in disease. Therefore, it has been classified as a Variant of Uncertain Significance.

GeneDx
Classification: Uncertain significance. Last evaluated: 2024-06-25. Review status: criteria provided, single submitter. Criteria: GeneDx Variant Classification Process June 2021. Collection method: clinical testing. Allele origin: germline. Affected: yes.
Comment: Not observed at significant frequency in large population cohorts (gnomAD); In silico analysis supports that this missense variant has a deleterious effect on protein structure/function; Has not been previously published as pathogenic or benign to our knowledge

Ambry Genetics
Classification: Uncertain significance for Hereditary cancer-predisposing syndrome. Last evaluated: 2023-01-16. Review status: criteria provided, single submitter. Criteria: Ambry Variant Classification Scheme 2023. Collection method: clinical testing. Allele origin: germline.
Comment: The p.K1112T variant (also known as c.3335A>C), located in coding exon 27 of the POLE gene, results from an A to C substitution at nucleotide position 3335. The lysine at codon 1112 is replaced by threonine, an amino acid with similar properties. This amino acid position is conserved. In addition, the in silico prediction for this alteration is inconclusive. Since supporting evidence is limited at this time, the clinical significance of this alteration remains unclear.